The following is an entry in ClinVar:

ClinVar aggregate classification (germline): Benign. Review status: criteria provided, multiple submitters, no conflicts (2 of 4 stars). 3 submissions from 3 submitters: Benign (2). 1 of the submissions does not count toward it. Last evaluated 2023-04-10.

Conditions:
Cystic fibrosis (CF). Also called: MUCOVISCIDOSIS. Identifiers: Orphanet 586, MedGen C0010674, MONDO:0009061, OMIM 219700. Disease mechanism: loss of function.

Allele frequency attached by ClinVar (database versions not stated): 1000 Genomes Project 0.90615; TOPMed 1.00000; gnomAD exomes 0.97144.

Submissions (3):

Mayo Clinic Laboratories, Mayo Clinic
Classification: Benign. Last evaluated: 2023-04-10. Review status: criteria provided, single submitter. Criteria: ACMG Guidelines, 2015. Collection method: clinical testing. Allele origin: germline. Observed: 2,240 variant alleles.

CFTR-France
Classification: Benign for cystic fibrosis. Last evaluated: 2018-01-29. Review status: criteria provided, single submitter. Criteria: Claustres M et al. (Hum Mutat 2017). Collection method: curation. Allele origin: germline. Affected: yes and no.
Comment: the variant does not result in CFTR-RD neither

GeneReviews
No classification provided. Condition: Cystic fibrosis. Review status: no classification provided. Collection method: literature only. Allele origin: unknown. Not counted in ClinVar's aggregate classification.
Comment: The severity of lung disease in individuals heterozygous or homozygous for p.Arg117His depends on the presence of a variation in the poly T tract of intron 9, c.1210-12T[5_9] [Massie et al 2001]. Individuals with a CF-causing variant plus the 5T variant in cis with p.Arg117His usually develop the lung disease of CF, but those individuals with p.Arg117His and the 7T variant or the 9T variant have a highly variable phenotype that can range from no symptoms to mild lung disease [Kiesewetter et al 1993, Chmiel et al 1999].

Literature cited by the submitters: PubMed 15371902 (cited by GeneReviews); PubMed 11491164 (cited by GeneReviews); PubMed 7506096 (cited by GeneReviews); PubMed 10103316 (cited by GeneReviews); PubMed 20301428 (cited by GeneReviews).

NM_000492.4(CFTR):c.1210-12=

Genes: CFTR-AS1 (CFTR antisense RNA 1; minus strand), CFTR (CF transmembrane conductance regulator; plus strand). Cytogenetic location: 7q31.2.
Variant type: Microsatellite.
Coding change: c.1210-12= on transcript NM_000492.4 (MANE Select); 12 bases into the intron before coding-DNA position 1210, no change from the reference sequence.
Molecular consequence: intron variant.
Genome position: GRCh38 VCF-style: chr7-117548629-TTTTTTT-TTTTTTT. GRCh37 (hg19) VCF-style: chr7-117188683-TTTTTTT-TTTTTTT.
Other names: 5T/7T/9T; p.?; c.1210-12T[7] (NM_000492.4).
Identifiers: ClinVar variation 38737 (VCV000038737.4), dbSNP rs1805177.